The following is an entry in ClinVar:

NM_006790.3(MYOT):c.1126C>T (p.Pro376Ser)

Genes: PKD2L2-DT (PKD2L2 divergent transcript; minus strand), MYOT (myotilin; plus strand). Cytogenetic location: 5q31.2.
Variant type: single nucleotide variant.
Coding change: c.1126C>T on transcript NM_006790.3 (MANE Select); coding-DNA position 1126, C replaced by T.
Protein change: p.Pro376Ser; replaces proline 376 with serine.
Molecular consequence: missense variant.
Genome position (GRCh38, 1-based): chr5:137,886,149, C>T. VCF-style: chr5-137886149-C-T. GRCh37 (hg19) VCF-style: chr5-137221838-C-T.
Other names: c.574C>T, p.Pro192Ser (NM_001135940.2); c.781C>T, p.Pro261Ser (NM_001300911.2); c.1126C>T (NM_006790.2); short protein forms P376S, P192S, P261S.
Identifiers: ClinVar variation 595401 (VCV000595401.11), dbSNP rs777061001, ClinGen allele CA3423112.

ClinVar aggregate classification (germline): Uncertain significance. Review status: criteria provided, multiple submitters, no conflicts (2 of 4 stars). 3 submissions from 3 submitters: Uncertain significance (3). Last evaluated 2023-07-10.

Conditions:
Myofibrillar myopathy 3 (MFM3). Also called: Muscular dystrophy, proximal, type 1A; Autosomal dominant spheroid body myopathy. Identifiers: Orphanet 266, Orphanet 268129, MedGen C3714934, MONDO:0012215, OMIM 609200.

Allele frequency attached by ClinVar (database versions not stated): gnomAD exomes below 0.00001; ExAC 0.00001; gnomAD 0.00001; TOPMed 0.00001.
gnomAD v4.1: 1 of 1,612,218 alleles (0.000062%); highest among the groups gnomAD compares: African/African-American, 0.0013%; no homozygotes.

Submissions (3):

Labcorp Genetics (formerly Invitae), Labcorp
Classification: Uncertain significance for Myofibrillar myopathy 3. Last evaluated: 2023-07-10. Review status: criteria provided, single submitter. Criteria: Invitae Variant Classification Sherloc (09022015). Collection method: clinical testing. Allele origin: germline.
Comment: This sequence change replaces proline, which is neutral and non-polar, with serine, which is neutral and polar, at codon 376 of the MYOT protein (p.Pro376Ser). In summary, the available evidence is currently insufficient to determine the role of this variant in disease. Therefore, it has been classified as a Variant of Uncertain Significance. An algorithm developed to predict the effect of missense changes on protein structure and function (PolyPhen-2) suggests that this variant is likely to be disruptive. ClinVar contains an entry for this variant (Variation ID: 595401). This variant has not been reported in the literature in individuals affected with MYOT-related conditions. This variant is present in population databases (rs777061001, gnomAD 0.008%).

Revvity Omics, Revvity
Classification: Uncertain significance for Myofibrillar myopathy 3. Last evaluated: 2019-04-05. Review status: criteria provided, single submitter. Criteria: ACMG Guidelines, 2015. Collection method: clinical testing. Allele origin: germline.

Eurofins Ntd Llc (ga)
Classification: Uncertain significance. Last evaluated: 2017-12-14. Review status: criteria provided, single submitter. Criteria: EGL Classification Definitions 2015. Collection method: clinical testing. Allele origin: germline. Observed: 1 variant allele, 1 heterozygote.